The following is an entry in ClinVar:

NM_005732.4(RAD50):c.1934_1935dup (p.Lys646fs)

Gene: RAD50 (RAD50 double strand break repair protein; plus strand). Cytogenetic location: 5q31.1.
Variant type: Duplication.
Coding change: c.1934_1935dup on transcript NM_005732.4 (MANE Select); coding-DNA positions 1934 to 1935, 2 bases duplicated (TT; older notation c.1934_1935dupTT).
Protein change: p.Lys646fs; shifts the reading frame from lysine 646.
Molecular consequence: frameshift variant.
Genome position (GRCh38, 1-based): chr5:132,595,009-132,595,010, TT duplicated. VCF-style (leftmost placement, unchanged base first): chr5-132595008-C-CTT. GRCh37 (hg19) VCF-style: chr5-131930700-C-CTT.
Other names: short protein forms K646fs.
Identifiers: ClinVar variation 1068560 (VCV001068560.7), dbSNP rs2149843770, ClinGen allele CA2499217582.
Genomic context (GRCh38, chr5:132,595,008, plus strand): 5'-TACGAAGACAAGCTGTTTGATGTTTGTGGTAGCCAGGATTTTGAAAGTGATTTAGACAGG[C>CTT]TTAAAGAGGAAATTGAAAAATCATCAAAACAGCGAGGTAAGTTGTCTACTTTATATTATC-3'

ClinVar aggregate classification (germline): Pathogenic (1 of 4 stars; one submission).

Conditions:
Hereditary cancer-predisposing syndrome. Also called: Hereditary neoplastic syndrome; Tumor predisposition; Hereditary Cancer Syndrome; Neoplastic Syndromes, Hereditary. Identifiers: Orphanet 140162, MedGen C0027672, MeSH D009386, MONDO:0015356.

Submission:

Labcorp Genetics (formerly Invitae), Labcorp
Classification: Pathogenic for Hereditary cancer-predisposing syndrome. Last evaluated: 2021-09-29. Review status: criteria provided, single submitter. Criteria: Invitae Variant Classification Sherloc (09022015). Collection method: clinical testing. Allele origin: germline.
Comment: For these reasons, this variant has been classified as Pathogenic. Loss-of-function variants in RAD50 are known to be pathogenic (PMID: 16385572, 19409520). This variant has not been reported in the literature in individuals with RAD50-related conditions. This variant is not present in population databases (ExAC no frequency). This sequence change creates a premature translational stop signal (p.Lys646Leufs*29) in the RAD50 gene. It is expected to result in an absent or disrupted protein product.

Literature cited by the submitters: PubMed 16385572; PubMed 19409520.